The following is an entry in ClinVar:

ClinVar aggregate classification (germline): Uncertain significance (1 of 4 stars; one submission).

Submission:

Labcorp Genetics (formerly Invitae), Labcorp
Classification: Uncertain significance. Last evaluated: 2025-01-27. Review status: criteria provided, single submitter. Criteria: Invitae Variant Classification Sherloc (09022015). Collection method: clinical testing. Allele origin: germline.
Comment: This sequence change replaces arginine, which is basic and polar, with glycine, which is neutral and non-polar, at codon 863 of the ANKRD26 protein (p.Arg863Gly). This variant is not present in population databases (gnomAD no frequency). This variant has not been reported in the literature in individuals affected with ANKRD26-related conditions. An algorithm developed to predict the effect of missense changes on protein structure and function (PolyPhen-2) suggests that this variant is likely to be tolerated. In summary, the available evidence is currently insufficient to determine the role of this variant in disease. Therefore, it has been classified as a Variant of Uncertain Significance.

NM_014915.3(ANKRD26):c.2587A>G (p.Arg863Gly)

Gene: ANKRD26 (ankyrin repeat domain 26; minus strand). Cytogenetic location: 10p12.1.
Variant type: single nucleotide variant.
Coding change: c.2587A>G on transcript NM_014915.3 (MANE Select); coding-DNA position 2587, A replaced by G.
Protein change: p.Arg863Gly; replaces arginine 863 with glycine.
Molecular consequence: missense variant.
Genome position (GRCh38, 1-based): chr10:27,037,296, T>C on the plus strand (A>G on the coding strand, the complement: ANKRD26 is on the minus strand). VCF-style: chr10-27037296-T-C. GRCh37 (hg19) VCF-style: chr10-27326225-T-C.
Other names: c.2584A>G, p.Arg862Gly (NM_001256053.2); short protein forms R863G, R862G.
Identifiers: ClinVar variation 3687910 (VCV003687910.2).